The following is an entry in ClinVar:

ClinVar aggregate classification (germline): Uncertain significance (1 of 4 stars; one submission).

Conditions:
Hereditary cancer-predisposing syndrome. Also called: Neoplastic Syndromes, Hereditary; Hereditary Cancer Syndrome; Tumor predisposition; Hereditary neoplastic syndrome. Identifiers: Orphanet 140162, MedGen C0027672, MeSH D009386, MONDO:0015356.

gnomAD v4.1: 1 of 1,599,286 alleles (0.000063%); highest among the groups gnomAD compares: Non-Finnish European, 0.000085%; no homozygotes.

Submission:

Ambry Genetics
Classification: Uncertain significance for Hereditary cancer-predisposing syndrome. Last evaluated: 2024-12-12. Review status: criteria provided, single submitter. Criteria: Ambry Variant Classification Scheme 2023. Collection method: clinical testing. Allele origin: germline.
Comment: The p.V318A variant (also known as c.953T>C), located in coding exon 5 of the SMARCA4 gene, results from a T to C substitution at nucleotide position 953. The valine at codon 318 is replaced by alanine, an amino acid with similar properties. This amino acid position is conserved. In addition, the in silico prediction for this alteration is inconclusive. Based on the available evidence, the clinical significance of this variant remains unclear.

NM_003072.5(SMARCA4):c.953T>C (p.Val318Ala)

Gene: SMARCA4 (SWI/SNF related BAF chromatin remodeling complex subunit ATPase 4; plus strand). Cytogenetic location: 19p13.2.
Variant type: single nucleotide variant.
Coding change: c.953T>C on transcript NM_003072.5 (MANE Select); coding-DNA position 953, T replaced by C.
Protein change: p.Val318Ala; replaces valine 318 with alanine.
Molecular consequence: missense variant. On other transcripts: non-coding transcript variant (1).
Genome position (GRCh38, 1-based): chr19:10,987,759, T>C. VCF-style: chr19-10987759-T-C. GRCh37 (hg19) VCF-style: chr19-11098435-T-C.
Other names: c.953T>C, p.Val318Ala (NM_001128844.3, NM_001128845.2, NM_001128846.2 and 6 more transcripts); short protein forms V318A.
Identifiers: ClinVar variation 3798877 (VCV003798877.1).